The following is an entry in ClinVar:

NM_024740.2(ALG9):c.1604T>C (p.Ile535Thr)

Gene: ALG9 (ALG9 alpha-1,2-mannosyltransferase; minus strand). Cytogenetic location: 11q23.1.
Variant type: single nucleotide variant.
Coding change: c.1604T>C on transcript NM_024740.2 (MANE Select); coding-DNA position 1604, T replaced by C.
Protein change: p.Ile535Thr; replaces isoleucine 535 with threonine.
Molecular consequence: missense variant. On other transcripts: non-coding transcript variant (1).
Genome position (GRCh38, 1-based): chr11:111,809,772, A>G on the plus strand (T>C on the coding strand, the complement: ALG9 is on the minus strand). VCF-style: chr11-111809772-A-G. GRCh37 (hg19) VCF-style: chr11-111680496-A-G.
Other names: c.1583T>C, p.Ile528Thr (NM_001077690.1, NM_001352417.1); c.1091T>C, p.Ile364Thr (NM_001077691.2, NM_001352413.1, NM_001352414.2 and 1 more transcripts); c.1070T>C, p.Ile357Thr (NM_001077692.2, NM_001352409.1, NM_001352410.1 and 6 more transcripts); c.1460T>C, p.Ile487Thr (NM_001352418.1); c.995T>C, p.Ile332Thr (NM_001352422.2); c.947T>C, p.Ile316Thr (NM_001352423.2); short protein forms I332T, I316T, I357T, I364T, I487T, I528T, I535T.
Identifiers: ClinVar variation 2064260 (VCV002064260.1), dbSNP rs12575909, ClinGen allele CA6274370.

ClinVar aggregate classification (germline): Uncertain significance (1 of 4 stars; one submission).

Conditions:
ALG9 congenital disorder of glycosylation (CDG1L). Also called: CDG Il; CONGENITAL DISORDER OF GLYCOSYLATION, TYPE Il; ALG9-CDG. Identifiers: Orphanet 79328, MedGen C2931006, MONDO:0012117, OMIM 608776.

Allele frequency attached by ClinVar (database versions not stated): 1000 Genomes Project 30x 0.00016.
gnomAD v4.1: 31 of 1,613,928 alleles (0.0019%); highest among the groups gnomAD compares: Admixed American, 0.047%; no homozygotes.

Submission:

Labcorp Genetics (formerly Invitae), Labcorp
Classification: Uncertain significance for ALG9 congenital disorder of glycosylation. Last evaluated: 2022-08-22. Review status: criteria provided, single submitter. Criteria: Invitae Variant Classification Sherloc (09022015). Collection method: clinical testing. Allele origin: germline.
Comment: This sequence change replaces isoleucine, which is neutral and non-polar, with threonine, which is neutral and polar, at codon 535 of the ALG9 protein (p.Ile535Thr). This variant is present in population databases (rs12575909, gnomAD 0.07%). This variant has not been reported in the literature in individuals affected with ALG9-related conditions. Experimental studies and prediction algorithms are not available or were not evaluated, and the functional significance of this variant is currently unknown. In summary, the available evidence is currently insufficient to determine the role of this variant in disease. Therefore, it has been classified as a Variant of Uncertain Significance.